The following is an entry in ClinVar:

ClinVar aggregate classification (germline): Likely benign. Review status: criteria provided, single submitter (1 of 4 stars). 2 submissions from 2 submitters: Likely benign (1). 1 of the submissions does not count toward it. Last evaluated 2022-07-08.

Conditions:
TMEM70-related disorder. Also called: TMEM70-related condition.
Mitochondrial complex V (ATP synthase) deficiency, nuclear type 2. Also called: Nuclear-Encoded ATPase Deficiency, TMEM70-Related; ENCEPHALOCARDIOMYOPATHY, MITOCHONDRIAL, NEONATAL, DUE TO ATP SYNTHASE DEFICIENCY; MITOCHONDRIAL COMPLEX V (ATP SYNTHASE) DEFICIENCY, TMEM70 TYPE. Identifiers: Orphanet 1194, MedGen C3279699, MONDO:0013546, OMIM 614052.

Allele frequency attached by ClinVar (database versions not stated): gnomAD exomes below 0.00001.
gnomAD v4.1: 2 of 1,603,474 alleles (0.00012%); highest among the groups gnomAD compares: Middle Eastern, 0.017%; no homozygotes.

Submissions (2):

Labcorp Genetics (formerly Invitae), Labcorp
Classification: Likely benign for Mitochondrial complex V (ATP synthase) deficiency, nuclear type 2. Last evaluated: 2022-07-08. Review status: criteria provided, single submitter. Criteria: Invitae Variant Classification Sherloc (09022015). Collection method: clinical testing. Allele origin: germline.

PreventionGenetics, part of Exact Sciences
Classification: Likely benign for TMEM70-related condition. Last evaluated: 2021-12-01. Review status: no assertion criteria provided. Collection method: clinical testing. Allele origin: germline. Not counted in ClinVar's aggregate classification.
Comment: This variant is classified as likely benign based on ACMG/AMP sequence variant interpretation guidelines (Richards et al. 2015 PMID: 25741868, with internal and published modifications).

NM_017866.6(TMEM70):c.317-10T>C

Gene: TMEM70 (transmembrane protein 70; plus strand). Cytogenetic location: 8q21.11.
Variant type: single nucleotide variant.
Coding change: c.317-10T>C on transcript NM_017866.6 (MANE Select); 10 bases into the intron before coding-DNA position 317, T replaced by C.
Molecular consequence: intron variant.
Genome position (GRCh38, 1-based): chr8:73,981,145, T>C. VCF-style: chr8-73981145-T-C. GRCh37 (hg19) VCF-style: chr8-74893380-T-C.
Other names: c.317-10T>C (NM_017866.5); c.*7-10T>C (NM_001040613.3).
Identifiers: ClinVar variation 1130168 (VCV001130168.11), dbSNP rs1815782340, ClinGen allele CA1793945187.
Genomic context (GRCh38, chr8:73,981,145, plus strand): 5'-ATTAGTGGGATAGATTGATTCTTTTATAAAATTTAAAAGTATTGATCCTCTCTCTTTTTT[T>C]CCCATTTAGGTGTGAAATGTTTCTCTTATTCTACGAGTCTGATTGGCCTTACATTTCTGC-3'